The following is an entry in ClinVar:

ClinVar aggregate classification (germline): Uncertain significance (1 of 4 stars; one submission).

gnomAD v4.1: 36 of 1,613,692 alleles (0.0022%); highest among the groups gnomAD compares: Non-Finnish European, 0.003%; no homozygotes.

Submission:

GeneDx
Classification: Uncertain significance. Last evaluated: 2026-04-13. Review status: criteria provided, single submitter. Criteria: GeneDx Variant Classification Process June 2021. Collection method: clinical testing. Allele origin: germline.
Comment: Not observed at significant frequency in large population cohorts (gnomAD); In silico analysis suggests that this missense variant does not alter protein structure/function; Has not been previously published as pathogenic or benign to our knowledge

NM_004239.4(TRIP11):c.5125G>T (p.Ala1709Ser)

Gene: TRIP11 (thyroid hormone receptor interactor 11; minus strand). Cytogenetic location: 14q32.12.
Variant type: single nucleotide variant.
Coding change: c.5125G>T on transcript NM_004239.4 (MANE Select); coding-DNA position 5125, G replaced by T.
Protein change: p.Ala1709Ser; replaces alanine 1709 with serine.
Molecular consequence: missense variant.
Genome position (GRCh38, 1-based): chr14:91,993,844, C>A on the plus strand (G>T on the coding strand, the complement: TRIP11 is on the minus strand). VCF-style: chr14-91993844-C-A. GRCh37 (hg19) VCF-style: chr14-92460188-C-A.
Other names: c.5122G>T, p.Ala1708Ser (NM_001321851.1); short protein forms A1708S, A1709S.
Identifiers: ClinVar variation 5037027 (VCV005037027.1).
Genomic context (GRCh38, chr14:91,993,844, plus strand): 5'-ACAAGAGAAAACTATTTTGTCCTACCTGTAATGATATCACTTTTCCTTCCAGATTTTCTG[C>A]GTTTTTCTTCCATTCAGCTATAAGCTGTTTTTGCTTTTCGAGTTCAGCAGAATACATAGC-3'
Protein context (NP_004230.2, residues 1699-1719): KQLIAEWKKN[Ala1709Ser]ENLEGKVISL